The following is an entry in ClinVar:

ClinVar aggregate classification (germline): Pathogenic (1 of 4 stars; one submission).

Conditions:
Inborn genetic diseases. Identifiers: MedGen C0950123, MeSH D030342.

Allele frequency attached by ClinVar (database versions not stated): TOPMed below 0.00001.

Submission:

Ambry Genetics
Classification: Pathogenic for Inborn genetic diseases. Last evaluated: 2022-07-21. Review status: criteria provided, single submitter. Criteria: Ambry Variant Classification Scheme 2023. Collection method: clinical testing. Allele origin: germline.
Comment: The c.2439delT (p.V814Wfs*5) alteration, located in exon 20 (coding exon 19) of the WASHC5 gene, consists of a deletion of one nucleotide at position 2439, causing a translational frameshift with a predicted alternate stop codon after 5 amino acids. This alteration is expected to result in loss of function by premature protein truncation or nonsense-mediated mRNA decay._x000D_ Although biallelic loss of function alterations in WASHC5 have been associated with autosomal recessive Ritscher-Schinzel syndrome, haploinsufficiency for WASHC5 has not been clearly established as a mechanism of disease for autosomal dominant WASHC5-related spastic paraplegia. Based on the available evidence, the c.2439delT (p.V814Wfs*5) alteration is classified as likely pathogenic/pathogenic for autosomal recessive Ritscher-Schinzel syndrome; however, its clinical significance for autosomal dominant WASHC5-related spastic paraplegia is unclear. Based on data from gnomAD, the - allele has an overall frequency of <0.01% (1/31382) total alleles studied. The highest observed frequency was 0.01% (1/15420) of European (non-Finnish) alleles. Based on the available evidence, this alteration is classified as pathogenic.

NM_014846.4(WASHC5):c.2439del (p.Val814fs)

Gene: WASHC5 (WASH complex subunit 5; minus strand). Cytogenetic location: 8q24.13.
Variant type: Deletion.
Coding change: c.2439del on transcript NM_014846.4 (MANE Select); coding-DNA position 2439, one base deleted (T; older notation c.2439delT).
Protein change: p.Val814fs; shifts the reading frame from valine 814.
Molecular consequence: frameshift variant.
Genome position (GRCh38, 1-based): chr8:125,047,272, A deleted on the plus strand (T on the coding strand, the reverse complement: WASHC5 is on the minus strand). VCF-style (leftmost placement, unchanged base first): chr8-125047271-CA-C. GRCh37 (hg19) VCF-style: chr8-126059513-CA-C.
Other names: c.1995del, p.Val666fs (NM_001330609.2); short protein forms V666fs, V814fs.
Identifiers: ClinVar variation 2218130 (VCV002218130.2), dbSNP rs1478543114, ClinGen allele CA584876076.